The following is an entry in ClinVar:

NM_017637.6(BNC2):c.696C>G (p.Arg232=)

Gene: BNC2 (basonuclin zinc finger protein 2; minus strand). Cytogenetic location: 9p22.3.
Variant type: single nucleotide variant.
Coding change: c.696C>G on transcript NM_017637.6 (MANE Select); coding-DNA position 696, C replaced by G.
Protein change: p.Arg232=; no amino-acid change (arginine 232 retained).
Molecular consequence: synonymous variant.
Genome position (GRCh38, 1-based): chr9:16,437,498, G>C on the plus strand (C>G on the coding strand, the complement: BNC2 is on the minus strand). VCF-style: chr9-16437498-G-C. GRCh37 (hg19) VCF-style: chr9-16437496-G-C.
Other names: c.570C>G, p.Arg190= (NM_001317939.2); c.411C>G, p.Arg137= (NM_001317940.2).
Identifiers: ClinVar variation 2629180 (VCV002629180.1), dbSNP rs2547719780, ClinGen allele CA464026604.

ClinVar aggregate classification (germline): Uncertain significance (1 of 4 stars; one submission).

Conditions:
BNC2-related disorder. Also called: BNC2-related condition.

Submission:

PreventionGenetics, part of Exact Sciences
Classification: Uncertain significance for BNC2-related condition. Last evaluated: 2022-09-23. Review status: criteria provided, single submitter. Criteria: ACMG Guidelines, 2015. Collection method: clinical testing. Allele origin: germline.
Comment: The BNC2 c.696C>G variant is not predicted to result in an amino acid change (p.=). Two splicing prediction programs indicate that this variant may lead to creation of a novel splice donor site within exon 6 (Alamut Visual 2.11). To our knowledge, this variant has not been reported in the literature or in a large population database, indicating this variant is rare. At this time, the clinical significance of this variant is uncertain due to the absence of conclusive functional and genetic evidence.